The following is an entry in ClinVar:

ClinVar aggregate classification (germline): Uncertain significance (1 of 4 stars; one submission).

Allele frequency attached by ClinVar (database versions not stated): TOPMed below 0.00001; gnomAD 0.00001.
gnomAD v4.1: 1 of 1,613,998 alleles (0.000062%); highest among the groups gnomAD compares: African/African-American, 0.0013%; no homozygotes.

Submission:

Labcorp Genetics (formerly Invitae), Labcorp
Classification: Uncertain significance. Last evaluated: 2024-09-05. Review status: criteria provided, single submitter. Criteria: Invitae Variant Classification Sherloc (09022015). Collection method: clinical testing. Allele origin: germline.
Comment: This sequence change replaces lysine, which is basic and polar, with asparagine, which is neutral and polar, at codon 319 of the MICAL1 protein (p.Lys319Asn). This variant is not present in population databases (gnomAD no frequency). This variant has not been reported in the literature in individuals affected with MICAL1-related conditions. An algorithm developed to predict the effect of missense changes on protein structure and function (PolyPhen-2) suggests that this variant is likely to be disruptive. In summary, the available evidence is currently insufficient to determine the role of this variant in disease. Therefore, it has been classified as a Variant of Uncertain Significance.

NM_022765.4(MICAL1):c.900G>T (p.Lys300Asn)

Gene: MICAL1 (microtubule associated monooxygenase, calponin and LIM domain containing 1; minus strand). Cytogenetic location: 6q21.
Variant type: single nucleotide variant.
Coding change: c.900G>T on transcript NM_022765.4 (MANE Select); coding-DNA position 900, G replaced by T.
Protein change: p.Lys300Asn; replaces lysine 300 with asparagine.
Molecular consequence: missense variant.
Genome position (GRCh38, 1-based): chr6:109,451,633, C>A on the plus strand (G>T on the coding strand, the complement: MICAL1 is on the minus strand). VCF-style: chr6-109451633-C-A. GRCh37 (hg19) VCF-style: chr6-109772836-C-A.
Other names: c.900G>T, p.Lys300Asn (NM_001159291.2); c.957G>T, p.Lys319Asn (NM_001286613.2); short protein forms K300N, K319N.
Identifiers: ClinVar variation 2987658 (VCV002987658.3), dbSNP rs1466868054, ClinGen allele CA365232158.